The following is an entry in ClinVar:

ClinVar aggregate classification (germline): Uncertain significance (1 of 4 stars; one submission).

Submission:

Labcorp Genetics (formerly Invitae), Labcorp
Classification: Uncertain significance. Last evaluated: 2024-05-06. Review status: criteria provided, single submitter. Criteria: Invitae Variant Classification Sherloc (09022015). Collection method: clinical testing. Allele origin: germline.
Comment: This sequence change replaces lysine, which is basic and polar, with arginine, which is basic and polar, at codon 108 of the FLNB protein (p.Lys108Arg). This variant is not present in population databases (gnomAD no frequency). This variant has not been reported in the literature in individuals affected with FLNB-related conditions. Advanced modeling of protein sequence and biophysical properties (such as structural, functional, and spatial information, amino acid conservation, physicochemical variation, residue mobility, and thermodynamic stability) performed at Invitae indicates that this missense variant is not expected to disrupt FLNB protein function with a negative predictive value of 95%. In summary, the available evidence is currently insufficient to determine the role of this variant in disease. Therefore, it has been classified as a Variant of Uncertain Significance.

NM_001457.4(FLNB):c.323A>G (p.Lys108Arg)

Gene: FLNB (filamin B; plus strand). Cytogenetic location: 3p14.3.
Variant type: single nucleotide variant.
Coding change: c.323A>G on transcript NM_001457.4 (MANE Select); coding-DNA position 323, A replaced by G.
Protein change: p.Lys108Arg; replaces lysine 108 with arginine.
Molecular consequence: missense variant.
Genome position (GRCh38, 1-based): chr3:58,077,076, A>G. VCF-style: chr3-58077076-A-G. GRCh37 (hg19) VCF-style: chr3-58062803-A-G.
Other names: c.323A>G, p.Lys108Arg (NM_001164317.2, NM_001164318.2, NM_001164319.2); short protein forms K108R.
Identifiers: ClinVar variation 2730498 (VCV002730498.3), dbSNP rs2470990497, ClinGen allele CA353333166.